The following is an entry in ClinVar:

NM_003742.4(ABCB11):c.1826_1827dup (p.Ile610fs)

Gene: ABCB11 (ATP binding cassette subfamily B member 11; minus strand). Cytogenetic location: 2q31.1.
Variant type: Microsatellite.
Coding change: c.1826_1827dup on transcript NM_003742.4 (MANE Select); coding-DNA positions 1826 to 1827, 2 bases duplicated (CA; older notation c.1826_1827dupCA).
Protein change: p.Ile610fs; shifts the reading frame from isoleucine 610.
Molecular consequence: frameshift variant.
Genome position (GRCh38, 1-based): chr2:168,969,534-168,969,535, TG duplicated on the plus strand (CA on the coding strand, the reverse complement: ABCB11 is on the minus strand); duplicating any 2 consecutive bases within chr2:168,969,534-168,969,539 gives the same sequence; the c. name uses the placement nearest the transcript's 3' end. VCF-style (leftmost placement, unchanged base first): chr2-168969533-T-TTG. GRCh37 (hg19) VCF-style: chr2-169826043-T-TTG.
Other names: short protein forms I610fs.
Identifiers: ClinVar variation 847009 (VCV000847009.12), dbSNP rs1693477912, ClinGen allele CA916082253.

ClinVar aggregate classification (germline): Pathogenic. Review status: criteria provided, multiple submitters, no conflicts (2 of 4 stars). 4 submissions from 4 submitters: Pathogenic (4). Last evaluated 2026-08-19.

Conditions:
Progressive familial intrahepatic cholestasis type 2. Identifiers: Orphanet 79304, MedGen C3489789, MONDO:0011156, OMIM 601847.
Familial intrahepatic cholestasis. Identifiers: Orphanet 284385, MedGen CN296401, MONDO:0017290.

Submissions (4):

Molecular Genetics Laboratory, CHU Lille
Classification: Pathogenic for Progressive familial intrahepatic cholestasis type 2. Last evaluated: 2026-08-19. Review status: criteria provided, single submitter. Criteria: ACMG Guidelines, 2015. Collection method: clinical testing. Allele origin: germline. Affected: yes.
Comment: This variant creates a premature translational stop signal (p.Ile610Glnfs*45) in the ABCB11 gene and likely results in an absent or disrupted protein product. This variant has been observed by others in individuals with progressive familial intrahepatic cholestasis (PMID: 26678486, 28733223, 20232290). In summary, this variant meets the criteria to be classified as pathogenic for PFIC2 based on the applied ACMG/AMP guidelines (PVS1, PP5, PM2).

Genomenon, Inc
Classification: Pathogenic for Familial intrahepatic cholestasis. Last evaluated: 2026-04-14. Review status: criteria provided, single submitter. Criteria: Genomenon Sequence Variant Interpretation Standards - Updated. Collection method: curation. Allele origin: germline. Affected: yes.
Comment: ABCB11 p.Ile610GlnfsTer45 (c.1826_1827dup) is a frameshift variant that results in the production of a truncated protein which is predicted to undergo nonsense-mediated mRNA decay. This variant has been observed in at least one proband with an ABCB11-related disorder (PMID:41165782;28733223;20232290). It is absent or not present at a significant frequency in gnomAD. In conclusion, we classify ABCB11 p.Ile610GlnfsTer45 (c.1826_1827dup) as a pathogenic variant.

3billion
Classification: Pathogenic for Progressive familial intrahepatic cholestasis type 2. Last evaluated: 2025-10-28. Review status: criteria provided, single submitter. Criteria: ACMG Guidelines, 2015. Collection method: clinical testing. Allele origin: germline. Affected: yes.
Comment: The variant is not observed in the gnomAD v4.1.0 dataset. Predicted Consequence/Location: Frameshift: predicted to result in a loss or disruption of normal protein function through nonsense-mediated decay (NMD) or protein truncation. Multiple pathogenic variants are reported downstream of the variant. The variant has been reported to be associated with ABCB11-related disorder (ClinVar ID: VCV000847009 /PMID: 26678486 /3billion dataset). Therefore, this variant is classified as Pathogenic according to the recommendation of ACMG/AMP guideline.

Labcorp Genetics (formerly Invitae), Labcorp
Classification: Pathogenic. Last evaluated: 2020-08-14. Review status: criteria provided, single submitter. Criteria: Invitae Variant Classification Sherloc (09022015). Collection method: clinical testing. Allele origin: germline.
Comment: This sequence change creates a premature translational stop signal (p.Ile610Glnfs*45) in the ABCB11 gene. It is expected to result in an absent or disrupted protein product. This variant is not present in population databases (ExAC no frequency). This variant has been observed in individuals with progressive familial intrahepatic cholestasis (PMID: 26678486, 28733223, 20232290). In at least one individual the data is consistent with the variant being in trans (on the opposite chromosome) from a pathogenic variant. This variant is also known as p.H609HfsX46 in the literature. ClinVar contains an entry for this variant (Variation ID: 847009). Loss-of-function variants in ABCB11 are known to be pathogenic (PMID: 18395098, 20232290). For these reasons, this variant has been classified as Pathogenic.

Literature cited by the submitters: PubMed 26678486 (cited by 3 submitters); PubMed 28733223 (cited by 3 submitters); PubMed 20232290 (cited by 3 submitters); PubMed 41165782 (cited by Genomenon, Inc); PubMed 18395098 (cited by Labcorp Genetics (formerly Invitae), Labcorp).